The following is an entry in ClinVar:

ClinVar aggregate classification (germline): Uncertain significance (1 of 4 stars; one submission).

Conditions:
Cortical dysplasia-focal epilepsy syndrome (PTHSL1). Also called: Pitt-Hopkins-like syndrome 1. Identifiers: Orphanet 163681, Orphanet 221150, MedGen C2750246, MONDO:0012400, OMIM 610042.

Allele frequency attached by ClinVar (database versions not stated): gnomAD exomes below 0.00001.
gnomAD v4.1: 1 of 1,614,170 alleles (0.000062%); highest among the groups gnomAD compares: African/African-American, 0.0013%; no homozygotes.

Submission:

Labcorp Genetics (formerly Invitae), Labcorp
Classification: Uncertain significance for Cortical dysplasia-focal epilepsy syndrome. Last evaluated: 2020-02-19. Review status: criteria provided, single submitter. Criteria: Invitae Variant Classification Sherloc (09022015). Collection method: clinical testing. Allele origin: germline.
Comment: This sequence change replaces methionine with valine at codon 669 of the CNTNAP2 protein (p.Met669Val). The methionine residue is moderately conserved and there is a small physicochemical difference between methionine and valine. In summary, the available evidence is currently insufficient to determine the role of this variant in disease. Therefore, it has been classified as a Variant of Uncertain Significance. Algorithms developed to predict the effect of missense changes on protein structure and function (SIFT, PolyPhen-2, Align-GVGD) all suggest that this variant is likely to be tolerated, but these predictions have not been confirmed by published functional studies and their clinical significance is uncertain. This variant has not been reported in the literature in individuals with CNTNAP2-related conditions. This variant is not present in population databases (ExAC no frequency).

NM_014141.6(CNTNAP2):c.2005A>G (p.Met669Val)

Gene: CNTNAP2 (contactin associated protein 2; plus strand). Cytogenetic location: 7q35.
Variant type: single nucleotide variant.
Coding change: c.2005A>G on transcript NM_014141.6 (MANE Select); coding-DNA position 2005, A replaced by G.
Protein change: p.Met669Val; replaces methionine 669 with valine.
Molecular consequence: missense variant.
Genome position (GRCh38, 1-based): chr7:147,639,213, A>G. VCF-style: chr7-147639213-A-G. GRCh37 (hg19) VCF-style: chr7-147336305-A-G.
Other names: short protein forms M669V.
Identifiers: ClinVar variation 1024441 (VCV001024441.11), dbSNP rs1795236116, ClinGen allele CA369926270.
Genomic context (GRCh38, chr7:147,639,213, plus strand): 5'-CCTGTGGTCGGCTACAACCCAGAAAAATACTCAGTGACACAGCTCGTTTACAGCGCCTCC[A>G]TGGACCAGATAAGTGCCATCACTGACAGTGCCGAGTACTGCGAGCAGTATGTCTCCTATT-3'
Protein context (NP_054860.1, residues 659-679): SVTQLVYSAS[Met669Val]DQISAITDSA